The following is an entry in ClinVar:

ClinVar aggregate classification (germline): Benign/Likely benign. Review status: criteria provided, multiple submitters, no conflicts (2 of 4 stars). 3 submissions from 3 submitters: Benign (1); Likely benign (2). Last evaluated 2026-07-08.

Conditions:
Hereditary cancer-predisposing syndrome. Also called: Tumor predisposition; Neoplastic Syndromes, Hereditary; Hereditary Cancer Syndrome; Hereditary neoplastic syndrome. Identifiers: Orphanet 140162, MedGen C0027672, MeSH D009386, MONDO:0015356.
Rhabdoid tumor predisposition syndrome 2 (RTPS2). Identifiers: Orphanet 231108, Orphanet 69077, MedGen C2750074, MONDO:0013224, OMIM 613325.

Allele frequency attached by ClinVar (database versions not stated): gnomAD exomes below 0.00001.
gnomAD v4.1: 3 of 1,613,868 alleles (0.00019%); highest among the groups gnomAD compares: Non-Finnish European, 0.00025%; no homozygotes.

Submissions (3):

Myriad Genetics, Inc.
Classification: Benign for Rhabdoid tumor predisposition syndrome 2. Last evaluated: 2026-07-08. Review status: criteria provided, single submitter. Criteria: Myriad Autosomal Dominant, Autosomal Recessive and X-Linked Classification Criteria (2023). Collection method: clinical testing. Allele origin: unknown.
Comment: This variant is considered benign. This variant is a silent/synonymous amino acid change and it is not expected to impact splicing.

Labcorp Genetics (formerly Invitae), Labcorp
Classification: Likely benign for Rhabdoid tumor predisposition syndrome 2. Last evaluated: 2026-01-25. Review status: criteria provided, single submitter. Criteria: Invitae Variant Classification Sherloc (09022015). Collection method: clinical testing. Allele origin: germline.

Ambry Genetics
Classification: Likely benign for Hereditary cancer-predisposing syndrome. Last evaluated: 2016-03-17. Review status: criteria provided, single submitter. Criteria: Ambry Variant Classification Scheme 2023. Collection method: clinical testing. Allele origin: germline.

NM_003072.5(SMARCA4):c.369C>T (p.Pro123=)

Gene: SMARCA4 (SWI/SNF related BAF chromatin remodeling complex subunit ATPase 4; plus strand). Cytogenetic location: 19p13.2.
Variant type: single nucleotide variant.
Coding change: c.369C>T on transcript NM_003072.5 (MANE Select); coding-DNA position 369, C replaced by T.
Protein change: p.Pro123=; no amino-acid change (proline 123 retained).
Molecular consequence: synonymous variant. On other transcripts: non-coding transcript variant (1).
Genome position (GRCh38, 1-based): chr19:10,986,202, C>T. VCF-style: chr19-10986202-C-T. GRCh37 (hg19) VCF-style: chr19-11096878-C-T.
Other names: c.369C>T, p.Pro123= (NM_001128844.3, NM_001128845.2, NM_001128846.2 and 5 more transcripts).
Identifiers: ClinVar variation 470365 (VCV000470365.17), dbSNP rs769607050, ClinGen allele CA305286577.
Genomic context (GRCh38, chr19:10,986,202, plus strand): 5'-ACAGACATATGCTGCCGAGTGACCAGTGGGCTGACCTTTCTCTGCAGGTTACCCCTCGCC[C>T]CTGGGTGGCTCTGAGCATGCCTCTAGTCCAGTTCCAGCCAGTGGCCCGTCTTCGGGGCCC-3'
Protein context (NP_003063.2, residues 113-133): MDQHSQGYPS[Pro123=]LGGSEHASSP